The following is an entry in ClinVar:

ClinVar aggregate classification (germline): Uncertain significance (0 of 4 stars; one submission).

Conditions:
Phelan-McDermid syndrome. Also called: TELOMERIC 22q13 MONOSOMY SYNDROME; 22q13.3 deletion syndrome; Phelan-McDermid Syndrome-SHANK3 Related. Identifiers: Orphanet 48652, MedGen C1853490, MONDO:0011652, OMIM 606232.

Allele frequency attached by ClinVar (database versions not stated): TOPMed below 0.00001.

Submission:

Division of Human Genetics, Children's Hospital of Philadelphia
Classification: Uncertain significance for Phelan-McDermid syndrome. Last evaluated: 2015-05-07. Review status: no assertion criteria provided. Collection method: research. Allele origin: germline. Affected: yes. Study: CSER-PediSeq.
Comment: The heterozygous variant in the SHANK3 gene (c.317A>C; p.Gln106Pro) associated with autosomal dominant Phenlan-McDermid syndrome (MIM: 606232) is considered a variant of uncertain significance. This variant is absent in the ExAC database and not previously published in the literature. This variant impacts amino acids located in highly conserved regions and represent non-conservative changes. The (c.317A>C; p.Gln106Pro) is not located in a functional domain.

NM_001372044.2(SHANK3):c.542A>C (p.Gln181Pro)

Gene: SHANK3 (SH3 and multiple ankyrin repeat domains 3; plus strand). Cytogenetic location: 22q13.33.
Variant type: single nucleotide variant.
Coding change: c.542A>C on transcript NM_001372044.2 (MANE Select); coding-DNA position 542, A replaced by C.
Protein change: p.Gln181Pro; replaces glutamine 181 with proline.
Molecular consequence: missense variant.
Genome position (GRCh38, 1-based): chr22:50,676,671, A>C. VCF-style: chr22-50676671-A-C. GRCh37 (hg19) VCF-style: chr22-51115099-A-C.
Other names: c.317A>C, p.Gln106Pro (NM_033517.1); short protein forms Q106P, Q181P.
Identifiers: ClinVar variation 203379 (VCV000203379.1), dbSNP rs1555905307, ClinGen allele CA275509.